The following is an entry in ClinVar:

ClinVar aggregate classification (germline): Uncertain significance (1 of 4 stars; one submission).

gnomAD v4.1: 39 of 1,614,150 alleles (0.0024%); highest among the groups gnomAD compares: Non-Finnish European, 0.0033%; no homozygotes.

Submission:

Labcorp Genetics (formerly Invitae), Labcorp
Classification: Uncertain significance. Last evaluated: 2025-02-26. Review status: criteria provided, single submitter. Criteria: Invitae Variant Classification Sherloc (09022015). Collection method: clinical testing. Allele origin: germline.
Comment: This sequence change replaces valine, which is neutral and non-polar, with leucine, which is neutral and non-polar, at codon 187 of the CLCN6 protein (p.Val187Leu). This variant is present in population databases (rs778204669, gnomAD 0.0009%). This variant has not been reported in the literature in individuals affected with CLCN6-related conditions. An algorithm developed to predict the effect of missense changes on protein structure and function (PolyPhen-2) suggests that this variant is likely to be tolerated. In summary, the available evidence is currently insufficient to determine the role of this variant in disease. Therefore, it has been classified as a Variant of Uncertain Significance.

NM_001286.5(CLCN6):c.559G>C (p.Val187Leu)

Gene: CLCN6 (Cl-/H+ antiporter 6; plus strand). Cytogenetic location: 1p36.22.
Variant type: single nucleotide variant.
Coding change: c.559G>C on transcript NM_001286.5 (MANE Select); coding-DNA position 559, G replaced by C.
Protein change: p.Val187Leu; replaces valine 187 with leucine.
Molecular consequence: missense variant. On other transcripts: non-coding transcript variant (1).
Genome position (GRCh38, 1-based): chr1:11,823,812, G>C. VCF-style: chr1-11823812-G-C. GRCh37 (hg19) VCF-style: chr1-11883869-G-C.
Other names: c.493G>C, p.Val165Leu (NM_001256959.2); short protein forms V187L, V165L.
Identifiers: ClinVar variation 4778872 (VCV004778872.1).